The following is an entry in ClinVar:

ClinVar aggregate classification (germline): Uncertain significance (1 of 4 stars; one submission).

Conditions:
Cerebral folate transport deficiency. Also called: FOLATE RECEPTOR DEFICIENCY; FOLR1-Related Cerebral Folate Transport Deficiency; NEURODEGENERATION DUE TO CEREBRAL FOLATE TRANSPORT DEFICIENCY; Cerebral folate deficiency syndrome; Neurodegenerative syndrome due to cerebral folate transport deficiency. Identifiers: Orphanet 217382, MedGen C2751584, MONDO:0013110, OMIM 613068. Disease mechanism: loss of function.

Allele frequency attached by ClinVar (database versions not stated): gnomAD 0.00001.
gnomAD v4.1: 1 of 1,613,994 alleles (0.000062%); highest among the groups gnomAD compares: African/African-American, 0.0013%; no homozygotes.

Submission:

Labcorp Genetics (formerly Invitae), Labcorp
Classification: Uncertain significance for Cerebral folate transport deficiency. Last evaluated: 2022-06-27. Review status: criteria provided, single submitter. Criteria: Invitae Variant Classification Sherloc (09022015). Collection method: clinical testing. Allele origin: germline.
Comment: In summary, the available evidence is currently insufficient to determine the role of this variant in disease. Therefore, it has been classified as a Variant of Uncertain Significance. Algorithms developed to predict the effect of missense changes on protein structure and function (SIFT, PolyPhen-2, Align-GVGD) all suggest that this variant is likely to be disruptive. ClinVar contains an entry for this variant (Variation ID: 538169). This variant has not been reported in the literature in individuals affected with FOLR1-related conditions. This variant is not present in population databases (gnomAD no frequency). This sequence change replaces proline, which is neutral and non-polar, with alanine, which is neutral and non-polar, at codon 47 of the FOLR1 protein (p.Pro47Ala).

NM_016729.3(FOLR1):c.139C>G (p.Pro47Ala)

Genes: FOLR1 (folate receptor alpha; plus strand), FOLR1-AS1 (FOLR1 antisense RNA 1; minus strand). Cytogenetic location: 11q13.4.
Variant type: single nucleotide variant.
Coding change: c.139C>G on transcript NM_016729.3 (MANE Select); coding-DNA position 139, C replaced by G.
Protein change: p.Pro47Ala; replaces proline 47 with alanine.
Molecular consequence: missense variant.
Genome position (GRCh38, 1-based): chr11:72,192,312, C>G. VCF-style: chr11-72192312-C-G. GRCh37 (hg19) VCF-style: chr11-71903356-C-G.
Other names: c.139C>G, p.Pro47Ala (NM_000802.3, NM_016724.3, NM_016725.3); short protein forms P47A.
Identifiers: ClinVar variation 538169 (VCV000538169.9), dbSNP rs1555068662, ClinGen allele CA381729897.